The following is an entry in ClinVar:

ClinVar aggregate classification (germline): Uncertain significance (0 of 4 stars; one submission).

Conditions:
SPNS2-related disorder. Also called: SPNS2-related condition.

Submission:

PreventionGenetics, part of Exact Sciences
Classification: Uncertain significance for SPNS2-related condition. Last evaluated: 2024-07-24. Review status: no assertion criteria provided. Collection method: clinical testing. Allele origin: germline.
Comment: The SPNS2 c.229_237dup9 variant is predicted to result in an in-frame duplication (p.Thr77_Gly79dup). To our knowledge, this variant has not been reported in the literature. This variant is reported in 0.074% of alleles in individuals of African descent in gnomAD. Although we suspect that this variant may be benign, at this time, the clinical significance of this variant is uncertain due to the absence of conclusive functional and genetic evidence.

NM_001124758.3(SPNS2):c.220ACCCCCGGC[3] (p.Gly79_Cys80insThrProGly)

Genes: SPNS2 (SPNS lysolipid transporter 2, sphingosine-1-phosphate; plus strand), SPNS2-AS1 (SPNS2 antisense RNA 1; minus strand). Cytogenetic location: 17p13.2.
Variant type: Microsatellite.
Coding change: c.220ACCCCCGGC[3] on transcript NM_001124758.3 (MANE Select); three copies in a row of the 9-base unit ACCCCCGGC starting at c.220; the reference has two copies in a row; one copy, 9 bases duplicated.
Protein change: p.Gly79_Cys80insThrProGly.
Molecular consequence: inframe insertion.
Genome position (GRCh38, 1-based): chr17:4,499,276-4,499,284, ACCCCCGGC duplicated; duplicating any 9 consecutive bases within chr17:4,499,259-4,499,284 gives the same sequence; the position shown is the placement nearest the transcript's 3' end. VCF-style (leftmost placement, unchanged base first): chr17-4499258-C-CCCCCCGGCA. GRCh37 (hg19) VCF-style: chr17-4402553-C-CCCCCCGGCA.
Identifiers: ClinVar variation 3350403 (VCV003350403.1).
Genomic context (GRCh38, chr17:4,499,258, plus strand): 5'-TCGGCCGCGGGCGATGAGGTGCAGACGCTGTCGGGCAGCGTAAGGCGGGCCCCGACCGGA[C>CCCCCCGGCA]CCCCCGGCACCCCCGGCACCCCCGGCTGCGCAGCTACTGCAAAGGGCCCCGGCGCTCAGC-3'